The following is an entry in ClinVar:

ClinVar aggregate classification (germline): Likely pathogenic (1 of 4 stars; one submission).

Conditions:
Propionic acidemia (PROP). Also called: GLYCINEMIA, KETOTIC; HYPERGLYCINEMIA WITH KETOACIDOSIS AND LEUKOPENIA; KETOTIC HYPERGLYCINEMIA. Identifiers: Orphanet 35, MedGen C0268579, MONDO:0011628, OMIM 606054, HP:0003571.

Submission:

Labcorp Genetics (formerly Invitae), Labcorp
Classification: Likely pathogenic for Propionic acidemia. Last evaluated: 2022-03-20. Review status: criteria provided, single submitter. Criteria: Invitae Variant Classification Sherloc (09022015). Collection method: clinical testing. Allele origin: germline.
Comment: In summary, the currently available evidence indicates that the variant is pathogenic, but additional data are needed to prove that conclusively. Therefore, this variant has been classified as Likely Pathogenic. This sequence change affects a donor splice site in intron 22 of the PCCA gene. It is expected to disrupt RNA splicing. Variants that disrupt the donor or acceptor splice site typically lead to a loss of protein function (PMID: 16199547), and loss-of-function variants in PCCA are known to be pathogenic (PMID: 15464417). This variant has not been reported in the literature in individuals affected with PCCA-related conditions. This variant is not present in population databases (gnomAD no frequency). Algorithms developed to predict the effect of sequence changes on RNA splicing suggest that this variant may disrupt the consensus splice site.

Literature cited by the submitters: PubMed 16199547; PubMed 15464417.

NM_000282.4(PCCA):c.2040+2T>G

Gene: PCCA (propionyl-CoA carboxylase subunit alpha; plus strand). Cytogenetic location: 13q32.3.
Variant type: single nucleotide variant.
Coding change: c.2040+2T>G on transcript NM_000282.4 (MANE Select); the canonical splice donor site of the intron after coding-DNA position 2040, T replaced by G.
Molecular consequence: splice donor variant. On other transcripts: intron variant (2).
Genome position (GRCh38, 1-based): chr13:100,515,569, T>G. VCF-style: chr13-100515569-T-G. GRCh37 (hg19) VCF-style: chr13-101167823-T-G.
Other names: c.1900-12106T>G (NM_001178004.2); c.1986+2T>G (NM_001352605.2); c.1896+2T>G (NM_001352606.2); c.1095+2T>G (NM_001352610.2); c.1041+2T>G (NM_001352611.2); c.951+2T>G (NM_001352612.2); c.1962+2T>G (NM_001127692.3); c.1822-12106T>G (NM_001352607.2); and 1 more.
Identifiers: ClinVar variation 2115205 (VCV002115205.4), dbSNP rs918806733, ClinGen allele CA388640446.